The following is an entry in ClinVar:

NM_173076.3(ABCA12):c.2273dup (p.Leu758fs)

Gene: ABCA12 (ATP binding cassette subfamily A member 12; minus strand). Cytogenetic location: 2q35.
Variant type: Duplication.
Coding change: c.2273dup on transcript NM_173076.3 (MANE Select); coding-DNA position 2273, one base duplicated (T; older notation c.2273dupT).
Protein change: p.Leu758fs; shifts the reading frame from leucine 758.
Molecular consequence: frameshift variant. On other transcripts: non-coding transcript variant (1).
Genome position (GRCh38, 1-based): chr2:215,011,498, A duplicated on the plus strand (T on the coding strand, the reverse complement: ABCA12 is on the minus strand); the first of 6 consecutive A bases (chr2:215,011,498-215,011,503); duplicating any one gives the same sequence. VCF-style (leftmost placement, unchanged base first): chr2-215011497-C-CA. GRCh37 (hg19) VCF-style: chr2-215876221-C-CA.
Other names: c.1319dup, p.Leu440fs (NM_015657.4); short protein forms L440fs, L758fs.
Identifiers: ClinVar variation 420096 (VCV000420096.4), dbSNP rs1064794286, ClinGen allele CA16617466.
Genomic context (GRCh38, chr2:215,011,497, plus strand): 5'-ACTGGAATTTATGGGAATTCCATATTTTGAAGCAATTTGCTCTTTAGTTAATTTATAAGT[C>CA]AAAAAATCCTTGGTGTGGTTGCCTTTTGGCCTCTGGGAAGAGGGCAGCATGGCAGTTAAA-3'

ClinVar aggregate classification (germline): Pathogenic/Likely pathogenic. Review status: criteria provided, multiple submitters, no conflicts (2 of 4 stars). 2 submissions from 2 submitters: Pathogenic (1); Likely pathogenic (1). Last evaluated 2023-08-04.

Submissions (2):

Labcorp Genetics (formerly Invitae), Labcorp
Classification: Pathogenic. Last evaluated: 2023-08-04. Review status: criteria provided, single submitter. Criteria: Invitae Variant Classification Sherloc (09022015). Collection method: clinical testing. Allele origin: germline.
Comment: For these reasons, this variant has been classified as Pathogenic. ClinVar contains an entry for this variant (Variation ID: 420096). This variant is also known as 2274insT. This premature translational stop signal has been observed in individual(s) with harlequin ichthyosis (PMID: 16902423). This variant is not present in population databases (gnomAD no frequency). This sequence change creates a premature translational stop signal (p.Leu758Phefs*4) in the ABCA12 gene. It is expected to result in an absent or disrupted protein product. Loss-of-function variants in ABCA12 are known to be pathogenic (PMID: 20672373).

GeneDx
Classification: Likely pathogenic. Last evaluated: 2017-11-02. Review status: criteria provided, single submitter. Criteria: GeneDx Variant Classification (06012015). Collection method: clinical testing. Allele origin: germline. Affected: yes.
Comment: The c.2273dupT likely pathogenic variant in the ABCA12 gene has been reported previously as the sole identifiable variant in a patient with Harlequin ichthyosis (Thomas et al., 2006). It causes a frameshift starting with codon Leucine 758, changes this amino acid to a Phenylalanine residue, and creates a premature Stop codon at position 4 of the new reading frame, denoted p.Leu758PhefsX4. This variant is predicted to cause loss of normal protein function either through protein truncation or nonsense-mediated mRNA decay. In addition, the c.2273dupT variant was not observed in approximately 6,500 individuals of European and African American ancestry in the NHLBI Exome Sequencing Project, indicating it is not a common benign variant in these populations. We interpret c.2273dupT as a likely pathogenic variant

Literature cited by the submitters: PubMed 16902423 (cited by Labcorp Genetics (formerly Invitae), Labcorp); PubMed 20672373 (cited by Labcorp Genetics (formerly Invitae), Labcorp).